The following is an entry in ClinVar:

ClinVar aggregate classification (germline): Benign/Likely benign. Review status: criteria provided, multiple submitters, no conflicts (2 of 4 stars). 10 submissions from 9 submitters: Benign (9); Likely benign (1). Last evaluated 2026-02-04.

Conditions:
Familial cold autoinflammatory syndrome 4 (FCAS4). Identifiers: Orphanet 47045, Orphanet 576349, MedGen C4015276, MONDO:0014498, OMIM 616115.
Periodic fever-infantile enterocolitis-autoinflammatory syndrome. Also called: Autoinflammation with infantile enterocolitis. Identifiers: Orphanet 436166, MedGen C4015067, MONDO:0014472, OMIM 616050.

Allele frequency attached by ClinVar (database versions not stated): ExAC 0.58993; 1000 Genomes Project 30x 0.59775; TOPMed 0.62832; ESP Exome Variant Server 0.62971; gnomAD exomes 0.60850 and 0.59245; gnomAD 0.63173 and 0.62609; 1000 Genomes Project 0.59225.
gnomAD v4.1: 984,552 of 1,613,862 alleles (61%); highest among the groups gnomAD compares: African/African-American, 68%; 302,413 homozygotes.

Submissions (10):

Labcorp Genetics (formerly Invitae), Labcorp
Classification: Benign for Periodic fever-infantile enterocolitis-autoinflammatory syndrome; Familial cold autoinflammatory syndrome 4. Last evaluated: 2026-02-04. Review status: criteria provided, single submitter. Criteria: Invitae Variant Classification Sherloc (09022015). Collection method: clinical testing. Allele origin: germline.

Women's Health and Genetics/Laboratory Corporation of America, LabCorp
Classification: Benign. Last evaluated: 2026-01-21. Review status: criteria provided, single submitter. Criteria: LabCorp Variant Classification Summary - May 2015. Collection method: clinical testing. Allele origin: germline.

Blueprint Genetics
Classification: Likely benign. Last evaluated: 2024-11-26. Review status: criteria provided, single submitter. Criteria: ACMG Guidelines, 2015. Collection method: clinical testing. Allele origin: germline.

Unidad de Genómica Garrahan, Hospital de Pediatría Garrahan
Classification: Benign. Last evaluated: 2023-11-12. Review status: criteria provided, single submitter. Criteria: ACMG Guidelines, 2015. Collection method: clinical testing. Allele origin: germline. Affected: no. Observed: 82 variant alleles.
Comment: This variant is classified as Benign based on local population frequency. This variant was detected in 85% of patients studied by a panel of primary immunodeficiencies. Number of patients: 82. Only high quality variants are reported.

Genome-Nilou Lab
Classification: Benign for Familial cold autoinflammatory syndrome 4. Last evaluated: 2021-09-05. Review status: criteria provided, single submitter. Criteria: ACMG Guidelines, 2015. Collection method: clinical testing. Allele origin: germline. Affected: no.

Genome-Nilou Lab
Classification: Benign for Periodic fever-infantile enterocolitis-autoinflammatory syndrome. Last evaluated: 2021-09-05. Review status: criteria provided, single submitter. Criteria: ACMG Guidelines, 2015. Collection method: clinical testing. Allele origin: germline. Affected: no.

GeneDx
Classification: Benign. Last evaluated: 2021-05-04. Review status: criteria provided, single submitter. Criteria: GeneDx Variant Classification Process June 2021. Collection method: clinical testing. Allele origin: germline. Affected: yes.

Mayo Clinic Laboratories, Mayo Clinic
Classification: Benign. Last evaluated: 2019-02-26. Review status: criteria provided, single submitter. Criteria: ACMG Guidelines, 2015. Collection method: clinical testing. Allele origin: germline. Observed: 851 variant alleles.

Laboratory for Molecular Medicine, Mass General Brigham Personalized Medicine
Classification: Benign. Last evaluated: 2016-03-29. Review status: criteria provided, single submitter. Criteria: LMM Criteria. Collection method: clinical testing. Allele origin: germline.
Comment: Variant identified in a genome or exome case(s) and assessed due to predicted null impact of the variant or pathogenic assertions in the literature or databases. Disclaimer: This variant has not undergone full assessment. The following are preliminary notes: Frequency

Breakthrough Genomics
Classification: Benign. Review status: criteria provided, single submitter. Criteria: ACMG Guidelines, 2015. Collection method: not provided. Allele origin: germline. Inheritance: Autosomal dominant inheritance. Affected: yes.

NM_001199138.2(NLRC4):c.1824C>T (p.Ala608=)

Gene: NLRC4 (NLR family CARD domain containing 4; minus strand). Cytogenetic location: 2p22.3.
Variant type: single nucleotide variant.
Coding change: c.1824C>T on transcript NM_001199138.2 (MANE Select); coding-DNA position 1824, C replaced by T.
Protein change: p.Ala608=; no amino-acid change (alanine 608 retained).
Molecular consequence: synonymous variant. On other transcripts: intron variant (1).
Genome position (GRCh38, 1-based): chr2:32,250,040, G>A on the plus strand (C>T on the coding strand, the complement: NLRC4 is on the minus strand). VCF-style: chr2-32250040-G-A. GRCh37 (hg19) VCF-style: chr2-32475109-G-A.
Other names: p.Ala608=; c.1824C>T, p.Ala608= (NM_001199139.2, NM_021209.5); c.262+2379C>T (NM_001302504.1).
Identifiers: ClinVar variation 403236 (VCV000403236.23), dbSNP rs455060, ClinGen allele CA1601918.
Genomic context (GRCh38, chr2:32,250,040, plus strand): 5'-TGCAGCCTTTTCCCATGAAGCCATAGCTCCCCCATAAAAGTCCAGTTTAATGAAGTCCAG[G>A]GCACTTGCACAATTGGGCAAATGTTCAAAGAAGTCAAATAAGTAATCGGGGATGTTCCCT-3'
Protein context (NP_001186067.1, residues 598-618): FFEHLPNCAS[Ala608=]LDFIKLDFYG